The following is an entry in ClinVar:

ClinVar aggregate classification (germline): Likely benign (1 of 4 stars; one submission).

Submission:

CeGaT Center for Human Genetics Tuebingen
Classification: Likely benign. Last evaluated: 2026-09-01. Review status: criteria provided, single submitter. Criteria: CeGaT Center For Human Genetics Tuebingen Variant Classification Criteria Version 2. Collection method: clinical testing. Allele origin: germline. Affected: yes. Observed: 1 variant allele.
Comment: RALGAPA1: PM2:Supporting, BP4, BP7

NM_001346249.2(RALGAPA1):c.6588T>C (p.Val2196=)

Gene: RALGAPA1 (Ral GTPase activating protein catalytic subunit alpha 1; minus strand). Cytogenetic location: 14q13.2.
Variant type: single nucleotide variant.
Coding change: c.6588T>C on transcript NM_001346249.2 (MANE Select); coding-DNA position 6588, T replaced by C.
Protein change: p.Val2196=; no amino-acid change (valine 2196 retained).
Molecular consequence: synonymous variant.
Genome position (GRCh38, 1-based): chr14:35,627,359, A>G on the plus strand (T>C on the coding strand, the complement: RALGAPA1 is on the minus strand). VCF-style: chr14-35627359-A-G. GRCh37 (hg19) VCF-style: chr14-36096565-A-G.
Other names: c.5109T>C, p.Val1703= (NM_001283043.3); c.5211T>C, p.Val1737= (NM_001283044.3, NM_001346245.2, NM_001346247.2); c.6447T>C, p.Val2149= (NM_001330075.3, NM_001346248.2); c.5070T>C, p.Val1690= (NM_001346243.2, NM_001346246.2, NM_014990.3 and 1 more transcripts).
Identifiers: ClinVar variation 5041500 (VCV005041500.1).